The following is an entry in ClinVar:

NM_006767.4(LZTR1):c.2437A>C (p.Ser813Arg)

Gene: LZTR1 (leucine zipper like post translational regulator 1; plus strand). Cytogenetic location: 22q11.21.
Variant type: single nucleotide variant.
Coding change: c.2437A>C on transcript NM_006767.4 (MANE Select); coding-DNA position 2437, A replaced by C.
Protein change: p.Ser813Arg; replaces serine 813 with arginine.
Molecular consequence: missense variant.
Genome position (GRCh38, 1-based): chr22:20,997,262, A>C. VCF-style: chr22-20997262-A-C. GRCh37 (hg19) VCF-style: chr22-21351551-A-C.
Other names: short protein forms S813R.
Identifiers: ClinVar variation 998255 (VCV000998255.9), dbSNP rs1311281590, ClinGen allele CA410781591.

ClinVar aggregate classification (germline): Uncertain significance. Review status: criteria provided, multiple submitters, no conflicts (2 of 4 stars). 3 submissions from 3 submitters: Uncertain significance (3). Last evaluated 2025-05-19.

Conditions:
Cardiovascular phenotype. Identifiers: MedGen CN230736.
Hereditary cancer-predisposing syndrome. Also called: Neoplastic Syndromes, Hereditary; Hereditary Cancer Syndrome; Tumor predisposition; Hereditary neoplastic syndrome. Identifiers: Orphanet 140162, MedGen C0027672, MeSH D009386, MONDO:0015356.
Noonan syndrome 10 (NS10). Identifiers: Orphanet 648, MedGen C4225280, MONDO:0014693, OMIM 616564.

Allele frequency attached by ClinVar (database versions not stated): gnomAD 0.00001; TOPMed 0.00001.

Submissions (3):

Labcorp Genetics (formerly Invitae), Labcorp
Classification: Uncertain significance. Last evaluated: 2025-05-19. Review status: criteria provided, single submitter. Criteria: Invitae Variant Classification Sherloc (09022015). Collection method: clinical testing. Allele origin: germline.
Comment: This sequence change replaces serine, which is neutral and polar, with arginine, which is basic and polar, at codon 813 of the LZTR1 protein (p.Ser813Arg). This variant is present in population databases (no rsID available, gnomAD 0.007%). This variant has not been reported in the literature in individuals affected with LZTR1-related conditions. ClinVar contains an entry for this variant (Variation ID: 998255). Invitae Evidence Modeling of protein sequence and biophysical properties (such as structural, functional, and spatial information, amino acid conservation, physicochemical variation, residue mobility, and thermodynamic stability) indicates that this missense variant is not expected to disrupt LZTR1 protein function with a negative predictive value of 80%. In summary, the available evidence is currently insufficient to determine the role of this variant in disease. Therefore, it has been classified as a Variant of Uncertain Significance.

Ambry Genetics
Classification: Uncertain significance for Cardiovascular phenotype; Hereditary cancer-predisposing syndrome. Last evaluated: 2023-11-03. Review status: criteria provided, single submitter. Criteria: Ambry Variant Classification Scheme 2023. Collection method: clinical testing. Allele origin: germline.
Comment: The p.S813R variant (also known as c.2437A>C), located in coding exon 21 of the LZTR1 gene, results from an A to C substitution at nucleotide position 2437. The serine at codon 813 is replaced by arginine, an amino acid with dissimilar properties. This amino acid position is highly conserved in available vertebrate species. In addition, the in silico prediction for this alteration is inconclusive. Since supporting evidence is limited at this time, the clinical significance of this alteration remains unclear.

Baylor Genetics
Classification: Uncertain significance for Noonan syndrome 10. Last evaluated: 2019-07-27. Review status: criteria provided, single submitter. Criteria: ACMG Guidelines, 2015. Collection method: clinical testing. Allele origin: unknown. Affected: yes. Study: CSER-TexasKidsCanSeq.
Comment: This variant was determined to be of uncertain significance according to ACMG Guidelines, 2015 [PMID:25741868].